The following is an entry in ClinVar:

NM_033337.3(CAV3):c.56G>A (p.Cys19Tyr)

Gene: CAV3 (caveolin 3; plus strand). Cytogenetic location: 3p25.3.
Variant type: single nucleotide variant.
Coding change: c.56G>A on transcript NM_033337.3 (MANE Select); coding-DNA position 56, G replaced by A.
Protein change: p.Cys19Tyr; replaces cysteine 19 with tyrosine.
Molecular consequence: missense variant.
Genome position (GRCh38, 1-based): chr3:8,733,932, G>A. VCF-style: chr3-8733932-G-A. GRCh37 (hg19) VCF-style: chr3-8775618-G-A.
Other names: c.56G>A, p.Cys19Tyr (NM_001234.5); short protein forms C19Y.
Identifiers: ClinVar variation 651297 (VCV000651297.5), dbSNP rs963028152, ClinGen allele CA69861890.

ClinVar aggregate classification (germline): Uncertain significance (1 of 4 stars; one submission).

Conditions:
Long QT syndrome (LQTS). Identifiers: MedGen C0023976, MeSH D008133, MONDO:0002442. Disease mechanism: loss of function. Inheritance: Various modes of inheritance.

Allele frequency attached by ClinVar (database versions not stated): gnomAD exomes below 0.00001; gnomAD 0.00001; TOPMed 0.00001.

Submission:

Labcorp Genetics (formerly Invitae), Labcorp
Classification: Uncertain significance for Long QT syndrome. Last evaluated: 2024-08-27. Review status: criteria provided, single submitter. Criteria: Invitae Variant Classification Sherloc (09022015). Collection method: clinical testing. Allele origin: germline.
Comment: This sequence change replaces cysteine, which is neutral and slightly polar, with tyrosine, which is neutral and polar, at codon 19 of the CAV3 protein (p.Cys19Tyr). This variant is not present in population databases (gnomAD no frequency). This variant has not been reported in the literature in individuals affected with CAV3-related conditions. ClinVar contains an entry for this variant (Variation ID: 651297). An algorithm developed to predict the effect of missense changes on protein structure and function (PolyPhen-2) suggests that this variant is likely to be tolerated. In summary, the available evidence is currently insufficient to determine the role of this variant in disease. Therefore, it has been classified as a Variant of Uncertain Significance.